The following is an entry in ClinVar:

NM_000143.4(FH):c.*7T>A

Gene: FH (fumarate hydratase; minus strand). Cytogenetic location: 1q43.
Variant type: single nucleotide variant.
Coding change: c.*7T>A on transcript NM_000143.4 (MANE Select); 7 bases downstream of the stop codon, T replaced by A.
Molecular consequence: 3 prime UTR variant.
Genome position (GRCh38, 1-based): chr1:241,497,821, A>T on the plus strand (T>A on the coding strand, the complement: FH is on the minus strand). VCF-style: chr1-241497821-A-T. GRCh37 (hg19) VCF-style: chr1-241661121-A-T.
Identifiers: ClinVar variation 3773103 (VCV003773103.1).

ClinVar aggregate classification (germline): Benign (1 of 4 stars; one submission).

Conditions:
Hereditary leiomyomatosis and renal cell cancer. Also called: MULTIPLE CUTANEOUS AND UTERINE LEIOMYOMATA 1, WITH OR WITHOUT RENAL CELL CARCINOMA; LEIOMYOMA, MULTIPLE CUTANEOUS; FH tumor predisposition syndrome; Reed syndrome; Multiple cutaneous and uterine leiomyomatosis; Cutaneous leiomyomata with uterine leiomyomata. Identifiers: Orphanet 523, MedGen C1708350, MONDO:0007888, OMIM 150800, HP:0007437. Disease mechanism: loss of function.

gnomAD v4.1: 6 of 1,584,290 alleles (0.00038%); highest among the groups gnomAD compares: Non-Finnish European, 0.00052%; no homozygotes.

Submission:

Myriad Genetics, Inc.
Classification: Benign for Hereditary leiomyomatosis and renal cell cancer. Last evaluated: 2024-10-23. Review status: criteria provided, single submitter. Criteria: Myriad Autosomal Dominant, Autosomal Recessive and X-Linked Classification Criteria (2023). Collection method: clinical testing. Allele origin: unknown.
Comment: This variant is considered benign. This variant occurs in the non-coding 3' untranslated region of the gene, and is not expected to impact protein function.